The following is an entry in ClinVar:

ClinVar aggregate classification (germline): Uncertain significance (1 of 4 stars; one submission).

Submission:

GeneDx
Classification: Uncertain significance. Last evaluated: 2026-03-05. Review status: criteria provided, single submitter. Criteria: GeneDx Variant Classification Process June 2021. Collection method: clinical testing. Allele origin: germline.
Comment: Not observed at significant frequency in large population cohorts (gnomAD); In silico analysis supports that this missense variant has a deleterious effect on protein structure/function; Has not been previously published as pathogenic or benign to our knowledge; This substitution is predicted to be within the N-terminal cytoplasmic domain

NM_001330260.2(SCN8A):c.146A>G (p.Glu49Gly)

Genes: SCN8A (sodium voltage-gated channel alpha subunit 8; plus strand), LOC114803470 (SCN8A eExon liver enhancer; plus strand). Cytogenetic location: 12q13.13.
Variant type: single nucleotide variant.
Coding change: c.146A>G on transcript NM_001330260.2 (MANE Select); coding-DNA position 146, A replaced by G.
Protein change: p.Glu49Gly; replaces glutamic acid 49 with glycine.
Molecular consequence: missense variant.
Genome position (GRCh38, 1-based): chr12:51,662,963, A>G. VCF-style: chr12-51662963-A-G. GRCh37 (hg19) VCF-style: chr12-52056747-A-G.
Other names: c.146A>G, p.Glu49Gly (NM_001177984.3, NM_001369788.1, NM_014191.4); short protein forms E49G.
Identifiers: ClinVar variation 5008653 (VCV005008653.1).